The following is an entry in ClinVar:

ClinVar aggregate classification (germline): Likely benign. Review status: criteria provided, multiple submitters, no conflicts (2 of 4 stars). 2 submissions from 2 submitters: Likely benign (2). Last evaluated 2026-09-16.

Conditions:
LRP2-related disorder. Also called: LRP2-related condition.

gnomAD v4.1: 80 of 1,611,756 alleles (0.005%); highest among the groups gnomAD compares: Non-Finnish European, 0.0062%; no homozygotes.

Submissions (2):

PreventionGenetics, part of Exact Sciences
Classification: Likely benign for LRP2-related condition. Last evaluated: 2026-09-16. Review status: criteria provided, single submitter. Criteria: ACMG Guidelines, 2015. Collection method: clinical testing. Allele origin: germline.
Comment: This variant is classified as likely benign based on ACMG/AMP sequence variant interpretation guidelines (Richards et al. 2015 PMID: 25741868, with internal and published modifications).

Labcorp Genetics (formerly Invitae), Labcorp
Classification: Likely benign. Last evaluated: 2023-09-30. Review status: criteria provided, single submitter. Criteria: Invitae Variant Classification Sherloc (09022015). Collection method: clinical testing. Allele origin: germline.

NM_004525.3(LRP2):c.13680G>A (p.Glu4560=)

Gene: LRP2 (LDL receptor related protein 2; minus strand). Cytogenetic location: 2q31.1.
Variant type: single nucleotide variant.
Coding change: c.13680G>A on transcript NM_004525.3 (MANE Select); coding-DNA position 13680, G replaced by A.
Protein change: p.Glu4560=; no amino-acid change (glutamic acid 4560 retained).
Molecular consequence: synonymous variant.
Genome position (GRCh38, 1-based): chr2:169,132,622, C>T on the plus strand (G>A on the coding strand, the complement: LRP2 is on the minus strand). VCF-style: chr2-169132622-C-T. GRCh37 (hg19) VCF-style: chr2-169989132-C-T.
Other names: c.13680G>A (NM_004525.2).
Identifiers: ClinVar variation 2885836 (VCV002885836.4), dbSNP rs192849943, ClinGen allele CA59912088.
Genomic context (GRCh38, chr2:169,132,622, plus strand): 5'-GGCAACTGTTACCTGAGTTCCATCAGCAGCTGGTGAAGTTGGGTTTGTCTCTGGAACTAT[C>T]TCAGAAGGGTTTATGGGACTTCCATAATTCTTATTATCCACATTTTCAGATACAGTCACC-3'
Protein context (NP_004516.2, residues 4550-4570): KNYGSPINPS[Glu4560=]IVPETNPTSP